The following is an entry in ClinVar:

ClinVar aggregate classification (germline): Likely benign. Review status: criteria provided, multiple submitters, no conflicts (2 of 4 stars). 3 submissions from 3 submitters: Likely benign (3). Last evaluated 2025-10-31.

Conditions:
Ataxia-telangiectasia syndrome (AT). Also called: Ataxia-telangiectasia, complementation group D; AT, COMPLEMENTATION GROUP C; ATAXIA-TELANGIECTASIA, COMPLEMENTATION GROUP A; ATAXIA-TELANGIECTASIA, FRESNO VARIANT; Ataxia-telangiectasia; LOUIS-BAR SYNDROME. Identifiers: Orphanet 100, MedGen C0004135, MONDO:0008840, OMIM 208900.
Hereditary breast ovarian cancer syndrome. Also called: Hereditary breast and ovarian cancer; Hereditary breast and/or ovarian cancer syndrome; Hereditary breast and ovarian cancer syndrome; BRCA1- and BRCA2-Associated Hereditary Breast and Ovarian Cancer; Hereditary breast and ovarian cancer syndrome (HBOC); Breast and ovarian cancer. Identifiers: Orphanet 145, MedGen C0677776, MeSH D061325, MONDO:0003582. Disease mechanism: loss of function.

Submissions (3):

Labcorp Genetics (formerly Invitae), Labcorp
Classification: Likely benign for Ataxia-telangiectasia syndrome. Last evaluated: 2025-10-31. Review status: criteria provided, single submitter. Criteria: Invitae Variant Classification Sherloc (09022015). Collection method: clinical testing. Allele origin: germline.

National Health Laboratory Service, Universitas Academic Hospital and University of the Free State
Classification: Likely benign for Hereditary breast ovarian cancer syndrome. Last evaluated: 2022-04-19. Review status: criteria provided, single submitter. Criteria: ACMG Guidelines, 2015. Collection method: clinical testing. Allele origin: germline. Affected: yes. Observed: 1 variant allele.

GeneDx
Classification: Likely benign. Last evaluated: 2018-05-07. Review status: criteria provided, single submitter. Criteria: GeneDx Variant Classification (06012015). Collection method: clinical testing. Allele origin: germline. Affected: yes.
Comment: This variant is considered likely benign or benign based on one or more of the following criteria: it is a conservative change, it occurs at a poorly conserved position in the protein, it is predicted to be benign by multiple in silico algorithms, and/or has population frequency not consistent with disease.

NM_000051.4(ATM):c.6573-9G>C

Genes: ATM (ATM serine/threonine kinase; plus strand), C11orf65 (chromosome 11 open reading frame 65; minus strand). Cytogenetic location: 11q22.3.
Variant type: single nucleotide variant.
Coding change: c.6573-9G>C on transcript NM_000051.4 (MANE Select); 9 bases into the intron before coding-DNA position 6573, G replaced by C.
Molecular consequence: intron variant.
Genome position (GRCh38, 1-based): chr11:108,325,301, G>C. VCF-style: chr11-108325301-G-C. GRCh37 (hg19) VCF-style: chr11-108196028-G-C.
Other names: c.6573-9G>C (NM_001351834.2); c.641-16230C>G (NM_001330368.2); c.*38+9919C>G (NM_001351110.2).
Identifiers: ClinVar variation 668269 (VCV000668269.4), dbSNP rs1591128179, ClinGen allele CA915947664.